The following is an entry in ClinVar:

ClinVar aggregate classification (germline): Uncertain significance. Review status: criteria provided, multiple submitters, no conflicts (2 of 4 stars). 2 submissions from 2 submitters: Uncertain significance (2). Last evaluated 2025-02-14.

Conditions:
Inborn genetic diseases. Identifiers: MedGen C0950123, MeSH D030342.

Submissions (2):

Ambry Genetics
Classification: Uncertain significance for Inborn genetic diseases. Last evaluated: 2025-02-14. Review status: criteria provided, single submitter. Criteria: Ambry Variant Classification Scheme 2023. Collection method: clinical testing. Allele origin: germline.

GeneDx
Classification: Uncertain significance. Last evaluated: 2025-01-27. Review status: criteria provided, single submitter. Criteria: GeneDx Variant Classification Process June 2021. Collection method: clinical testing. Allele origin: germline. Affected: yes.
Comment: Not observed at significant frequency in large population cohorts (gnomAD); In silico analysis indicates that this missense variant does not alter protein structure/function; Has not been previously published as pathogenic or benign to our knowledge

NM_022575.4(VPS16):c.196C>G (p.Leu66Val)

Gene: VPS16 (VPS16 core subunit of CORVET and HOPS complexes; plus strand). Cytogenetic location: 20p13.
Variant type: single nucleotide variant.
Coding change: c.196C>G on transcript NM_022575.4 (MANE Select); coding-DNA position 196, C replaced by G.
Protein change: p.Leu66Val; replaces leucine 66 with valine.
Molecular consequence: missense variant.
Genome position (GRCh38, 1-based): chr20:2,860,107, C>G. VCF-style: chr20-2860107-C-G. GRCh37 (hg19) VCF-style: chr20-2840753-C-G.
Other names: c.196C>G, p.Leu66Val (NM_080413.3); c.196C>G (NM_022575.3); short protein forms L66V.
Identifiers: ClinVar variation 3815160 (VCV003815160.2).